The following is an entry in ClinVar:

ClinVar aggregate classification (germline): Benign (1 of 4 stars; one submission).

Allele frequency attached by ClinVar (database versions not stated): 1000 Genomes Project 30x 0.07448; 1000 Genomes Project 0.07468; TOPMed 0.07872; gnomAD 0.07925 and 0.07927.

Submission:

GeneDx
Classification: Benign. Last evaluated: 2018-06-19. Review status: criteria provided, single submitter. Criteria: GeneDx Variant Classification (06012015). Collection method: clinical testing. Allele origin: germline. Affected: yes.
Comment: This variant is considered likely benign or benign based on one or more of the following criteria: it is a conservative change, it occurs at a poorly conserved position in the protein, it is predicted to be benign by multiple in silico algorithms, and/or has population frequency not consistent with disease.

NM_001458.5(FLNC):c.601+203A>G

Gene: FLNC (filamin C; plus strand). Cytogenetic location: 7q32.1.
Variant type: single nucleotide variant.
Coding change: c.601+203A>G on transcript NM_001458.5 (MANE Select); 203 bases into the intron after coding-DNA position 601, A replaced by G.
Molecular consequence: intron variant.
Genome position (GRCh38, 1-based): chr7:128,835,777, A>G. VCF-style: chr7-128835777-A-G. GRCh37 (hg19) VCF-style: chr7-128475831-A-G.
Other names: c.601+203A>G (NM_001127487.2).
Identifiers: ClinVar variation 680204 (VCV000680204.1), dbSNP rs35279564, ClinGen allele CA12572512.
Genomic context (GRCh38, chr7:128,835,777, plus strand): 5'-CAGCTGTGGCTCTCCGCTGGCTGGTGGCAGGCCCTACCTGATGAGTGTGCCAGATTCCGC[A>G]GAGGCAGGAAGAGGTTTAAAACCCCTCATTTTACAGACAAGGACACTATGGCCCAGAGAG-3'